The following is an entry in ClinVar:

ClinVar aggregate classification (germline): Likely pathogenic (1 of 4 stars; one submission).

Submission:

Athena Diagnostics
Classification: Likely pathogenic. Last evaluated: 2018-10-24. Review status: criteria provided, single submitter. Criteria: Athena Diagnostics Criteria. Collection method: clinical testing. Allele origin: germline.
Comment: The variant results in a shift of the reading frame, and is therefore predicted to significantly disrupt the protein structure. Not found in the total gnomAD dataset, and the data is high quality (0/251184 chr).

NM_000089.4(COL1A2):c.3987del (p.Ile1329fs)

Gene: COL1A2 (collagen type I alpha 2 chain; plus strand). Cytogenetic location: 7q21.3.
Variant type: Deletion.
Coding change: c.3987del on transcript NM_000089.4 (MANE Select); coding-DNA position 3987, one base deleted (T; older notation c.3987delT).
Protein change: p.Ile1329fs; shifts the reading frame from isoleucine 1329.
Molecular consequence: frameshift variant.
Genome position (GRCh38, 1-based): chr7:94,430,279, T deleted; the last of 2 consecutive T bases (chr7:94,430,278-94,430,279); deleting either gives the same sequence. VCF-style (leftmost placement, unchanged base first): chr7-94430277-AT-A. GRCh37 (hg19) VCF-style: chr7-94059589-AT-A.
Other names: short protein forms I1329fs.
Identifiers: ClinVar variation 804570 (VCV000804570.1), dbSNP rs1200377228, ClinGen allele CA844042254.